The following is an entry in ClinVar:

NM_003966.3(SEMA5A):c.2866A>G (p.Ser956Gly)

Gene: SEMA5A (semaphorin 5A; minus strand). Cytogenetic location: 5p15.31.
Variant type: single nucleotide variant.
Coding change: c.2866A>G on transcript NM_003966.3 (MANE Select); coding-DNA position 2866, A replaced by G.
Protein change: p.Ser956Gly; replaces serine 956 with glycine.
Molecular consequence: missense variant.
Genome position (GRCh38, 1-based): chr5:9,050,437, T>C on the plus strand (A>G on the coding strand, the complement: SEMA5A is on the minus strand). VCF-style: chr5-9050437-T-C. GRCh37 (hg19) VCF-style: chr5-9050549-T-C.
Other names: short protein forms S956G.
Identifiers: ClinVar variation 2655294 (VCV002655294.24), dbSNP rs34563995, ClinGen allele CA3196285.

ClinVar aggregate classification (germline): Benign (1 of 4 stars; one submission).

Allele frequency attached by ClinVar (database versions not stated): 1000 Genomes Project 30x 0.00390; 1000 Genomes Project 0.00399; TOPMed 0.00986; ESP Exome Variant Server 0.01230; ExAC 0.01375; gnomAD 0.01382; gnomAD exomes 0.01570.
gnomAD v4.1: 24,869 of 1,612,774 alleles (1.5%); highest among the groups gnomAD compares: Non-Finnish European, 1.7%; 314 homozygotes.

Submission:

CeGaT Center for Human Genetics Tuebingen
Classification: Benign. Last evaluated: 2023-10-01. Review status: criteria provided, single submitter. Criteria: CeGaT Center For Human Genetics Tuebingen Variant Classification Criteria Version 2. Collection method: clinical testing. Allele origin: germline. Affected: yes. Observed: 2 variant alleles.
Comment: SEMA5A: BP4, BS1, BS2